The following is an entry in ClinVar:

NM_007294.4(BRCA1):c.1324T>A (p.Cys442Ser)

Gene: BRCA1 (BRCA1 DNA repair associated; minus strand). Cytogenetic location: 17q21.31.
Variant type: single nucleotide variant.
Coding change: c.1324T>A on transcript NM_007294.4 (MANE Select); coding-DNA position 1324, T replaced by A.
Protein change: p.Cys442Ser; replaces cysteine 442 with serine.
Molecular consequence: missense variant. On other transcripts: intron variant (137).
Genome position (GRCh38, 1-based): chr17:43,094,207, A>T on the plus strand (T>A on the coding strand, the complement: BRCA1 is on the minus strand). VCF-style: chr17-43094207-A-T. GRCh37 (hg19) VCF-style: chr17-41246224-A-T.
Other names: c.1324T>A, p.Cys442Ser (NM_001407620.1, NM_001407621.1, NM_001407623.1 and 30 more transcripts); c.1201T>A, p.Cys401Ser (NM_001407938.1, NM_001407939.1, NM_001407648.1 and 19 more transcripts); c.1198T>A, p.Cys400Ser (NM_001407940.1, NM_001407941.1, NM_001407649.1 and 11 more transcripts); c.1183T>A, p.Cys395Ser (NM_001407942.1, NM_001407692.1, NM_001407694.1 and 29 more transcripts); c.1321T>A, p.Cys441Ser (NM_001407627.1, NM_001407629.1, NM_001407628.1 and 22 more transcripts); c.787+537T>A (NM_001407970.1, NM_001407980.1, NM_001407993.1 and 19 more transcripts); c.1111T>A, p.Cys371Ser (NM_001407571.1, NM_001407853.1, NM_001407894.1 and 9 more transcripts); c.1315T>A, p.Cys439Ser (NM_001407646.1, NM_001407647.1); and 40 more; short protein forms C442S, C395S, C330S, C331S, C372S, C415S, C416S, C274S.
Identifiers: ClinVar variation 545479 (VCV000545479.5), dbSNP rs876660734, ClinGen allele CA10599405.

ClinVar aggregate classification (germline): Conflicting classifications of pathogenicity. Review status: criteria provided, conflicting classifications (1 of 4 stars). 2 submissions from 2 submitters: Uncertain significance (1); Likely benign (1). Last evaluated 2023-03-23.

Conditions:
Hereditary cancer-predisposing syndrome. Also called: Neoplastic Syndromes, Hereditary; Hereditary Cancer Syndrome; Tumor predisposition; Hereditary neoplastic syndrome. Identifiers: Orphanet 140162, MedGen C0027672, MeSH D009386, MONDO:0015356.
Breast cancer, susceptibility to. Identifiers: MedGen C3469522. Disease mechanism: gain of function.

Submissions (2):

University of Washington Department of Laboratory Medicine, University of Washington
Classification: Likely benign for Hereditary cancer-predisposing syndrome. Last evaluated: 2023-03-23. Review status: criteria provided, single submitter. Criteria: Dines et al. (Genet Med. 2020). Collection method: curation. Allele origin: germline.
Comment: Missense variant in a coldspot region where missense variants are very unlikely to be pathogenic (PMID:31911673).

BRCA1 coldspot (exon 11 using historical exon numbering). Reclassification based on statistical prior probability

Cancer Molecular Diagnostics Core, Tianjin Medical University Cancer Institute and Hospital
Classification: Uncertain significance for Breast cancer, susceptibility to. Last evaluated: 2018-03-25. Review status: criteria provided, single submitter. Criteria: ACMG Guidelines, 2015. Collection method: research. Allele origin: germline. Affected: yes. Observed: 1 variant allele.